The following is an entry in ClinVar:

ClinVar aggregate classification (germline): Uncertain significance (1 of 4 stars; one submission).

Conditions:
Achondrogenesis, type IA (ACG1A). Identifiers: Orphanet 932, Orphanet 93299, MedGen C0265273, MONDO:0008701, OMIM 200600.

Allele frequency attached by ClinVar (database versions not stated): gnomAD exomes below 0.00001; gnomAD 0.00001.

Submission:

Labcorp Genetics (formerly Invitae), Labcorp
Classification: Uncertain significance for Achondrogenesis, type IA. Last evaluated: 2021-07-04. Review status: criteria provided, single submitter. Criteria: Invitae Variant Classification Sherloc (09022015). Collection method: clinical testing. Allele origin: germline.
Comment: In summary, the available evidence is currently insufficient to determine the role of this variant in disease. Therefore, it has been classified as a Variant of Uncertain Significance. Algorithms developed to predict the effect of missense changes on protein structure and function are either unavailable or do not agree on the potential impact of this missense change (SIFT: "Not Available"; PolyPhen-2: "Probably Damaging"; Align-GVGD: "Not Available"). This sequence change replaces leucine with proline at codon 239 of the TRIP11 protein (p.Leu239Pro). The leucine residue is highly conserved and there is a moderate physicochemical difference between leucine and proline. This variant is not present in population databases (ExAC no frequency). This variant has not been reported in the literature in individuals affected with TRIP11-related conditions.

NM_004239.4(TRIP11):c.716T>C (p.Leu239Pro)

Gene: TRIP11 (thyroid hormone receptor interactor 11; minus strand). Cytogenetic location: 14q32.12.
Variant type: single nucleotide variant.
Coding change: c.716T>C on transcript NM_004239.4 (MANE Select); coding-DNA position 716, T replaced by C.
Protein change: p.Leu239Pro; replaces leucine 239 with proline.
Molecular consequence: missense variant.
Genome position (GRCh38, 1-based): chr14:92,015,803, A>G on the plus strand (T>C on the coding strand, the complement: TRIP11 is on the minus strand). VCF-style: chr14-92015803-A-G. GRCh37 (hg19) VCF-style: chr14-92482147-A-G.
Other names: c.713T>C, p.Leu238Pro (NM_001321851.1); short protein forms L239P, L238P.
Identifiers: ClinVar variation 1469438 (VCV001469438.8), dbSNP rs1436524252, ClinGen allele CA390664782.